The following is an entry in ClinVar:

NM_001142966.3(GREB1L):c.5063G>A (p.Cys1688Tyr)

Gene: GREB1L (GREB1 like retinoic acid receptor coactivator; plus strand). Cytogenetic location: 18q11.2.
Variant type: single nucleotide variant.
Coding change: c.5063G>A on transcript NM_001142966.3 (MANE Select); coding-DNA position 5063, G replaced by A.
Protein change: p.Cys1688Tyr; replaces cysteine 1688 with tyrosine.
Molecular consequence: missense variant.
Genome position (GRCh38, 1-based): chr18:21,515,578, G>A. VCF-style: chr18-21515578-G-A. GRCh37 (hg19) VCF-style: chr18-19095539-G-A.
Other names: c.5192G>A, p.Cys1731Tyr (NM_001410867.1); c.4736G>A, p.Cys1579Tyr (NM_001410868.1); short protein forms C1579Y, C1688Y, C1731Y.
Identifiers: ClinVar variation 3906053 (VCV003906053.10).

ClinVar aggregate classification (germline): Uncertain significance (1 of 4 stars; one submission).

Submission:

CeGaT Center for Human Genetics Tuebingen
Classification: Uncertain significance. Last evaluated: 2025-06-01. Review status: criteria provided, single submitter. Criteria: CeGaT Center For Human Genetics Tuebingen Variant Classification Criteria Version 2. Collection method: clinical testing. Allele origin: germline. Affected: yes. Observed: 1 variant allele.
Comment: GREB1L: PM2, PP2, PS2:Supporting